The following is an entry in ClinVar:

NM_000548.5(TSC2):c.3418G>A (p.Gly1140Ser)

Gene: TSC2 (TSC complex subunit 2; plus strand). Cytogenetic location: 16p13.3.
Variant type: single nucleotide variant.
Coding change: c.3418G>A on transcript NM_000548.5 (MANE Select); coding-DNA position 3418, G replaced by A.
Protein change: p.Gly1140Ser; replaces glycine 1140 with serine.
Molecular consequence: missense variant. On other transcripts: non-coding transcript variant (5).
Genome position (GRCh38, 1-based): chr16:2,080,185, G>A. VCF-style: chr16-2080185-G-A. GRCh37 (hg19) VCF-style: chr16-2130186-G-A.
Other names: c.3286G>A, p.Gly1096Ser (NM_001077183.3, NM_001370404.1, NM_001406665.1); c.3418G>A, p.Gly1140Ser (NM_001114382.3); c.3178G>A, p.Gly1060Ser (NM_001318827.2); c.3142G>A, p.Gly1048Ser (NM_001318829.2); c.2686G>A, p.Gly896Ser (NM_001318831.2, NM_001406687.1, NM_001406688.1); c.3319G>A, p.Gly1107Ser (NM_001318832.2); c.3289G>A, p.Gly1097Ser (NM_001363528.2, NM_001370405.1, NM_021055.3); c.3415G>A, p.Gly1139Ser (NM_001406663.1, NM_001406664.1); and 18 more; short protein forms G1047S, G1048S, G1059S, G1060S, G1077S, G1090S, G1091S, G1092S.
Identifiers: ClinVar variation 4756910 (VCV004756910.2).

ClinVar aggregate classification (germline): Uncertain significance. Review status: criteria provided, multiple submitters, no conflicts (2 of 4 stars). 2 submissions from 2 submitters: Uncertain significance (2). Last evaluated 2026-06-13.

Conditions:
Tuberous sclerosis syndrome (TSC). Also called: Tuberous Sclerosis Complex; Tuberous sclerosis. Identifiers: Orphanet 805, MedGen C0041341, MONDO:0001734.
Hereditary cancer-predisposing syndrome. Also called: Neoplastic Syndromes, Hereditary; Tumor predisposition; Hereditary Cancer Syndrome; Hereditary neoplastic syndrome. Identifiers: Orphanet 140162, MedGen C0027672, MeSH D009386, MONDO:0015356.

Submissions (2):

Ambry Genetics
Classification: Uncertain significance for Hereditary cancer-predisposing syndrome. Last evaluated: 2026-06-13. Review status: criteria provided, single submitter. Criteria: Ambry Variant Classification Scheme 2023. Collection method: clinical testing. Allele origin: germline.
Comment: The p.G1140S variant (also known as c.3418G>A), located in coding exon 29 of the TSC2 gene, results from a G to A substitution at nucleotide position 3418. The glycine at codon 1140 is replaced by serine, an amino acid with similar properties. This amino acid position is conserved. In addition, the in silico prediction for this alteration is inconclusive. Based on the available evidence, the clinical significance of this variant remains unclear.

Color Diagnostics, LLC DBA Color Health
Classification: Uncertain significance for Tuberous sclerosis syndrome. Last evaluated: 2025-06-23. Review status: criteria provided, single submitter. Criteria: ACMG Guidelines, 2015. Collection method: clinical testing. Allele origin: germline.
Comment: This missense variant replaces glycine with serine at codon 1140 of the TSC2 protein. Computational prediction is inconclusive regarding the impact of this variant on protein structure and function. To our knowledge, functional studies have not been reported for this variant. This variant has not been reported in individuals affected with TSC2-related disorders in the literature. This variant has not been identified in the general population by the Genome Aggregation Database (gnomAD). The available evidence is insufficient to determine the role of this variant in disease conclusively. Therefore, this variant is classified as a Variant of Uncertain Significance.